The following is an entry in ClinVar:

ClinVar aggregate classification (germline): Likely benign (1 of 4 stars; one submission).

gnomAD v4.1: 11 of 1,507,538 alleles (0.00073%); highest among the groups gnomAD compares: South Asian, 0.0056%; 1 homozygote.

Submission:

CeGaT Center for Human Genetics Tuebingen
Classification: Likely benign. Last evaluated: 2025-07-01. Review status: criteria provided, single submitter. Criteria: CeGaT Center For Human Genetics Tuebingen Variant Classification Criteria Version 2. Collection method: clinical testing. Allele origin: germline. Affected: yes. Observed: 1 variant allele.
Comment: RNF213: BP4, BP7

NM_001256071.3(RNF213):c.10299C>T (p.His3433=)

Gene: RNF213 (ring finger protein 213; plus strand). Cytogenetic location: 17q25.3.
Variant type: single nucleotide variant.
Coding change: c.10299C>T on transcript NM_001256071.3 (MANE Select); coding-DNA position 10299, C replaced by T.
Protein change: p.His3433=; no amino-acid change (histidine 3433 retained).
Molecular consequence: synonymous variant.
Genome position (GRCh38, 1-based): chr17:80,351,799, C>T. VCF-style: chr17-80351799-C-T. GRCh37 (hg19) VCF-style: chr17-78325599-C-T.
Other names: c.10446C>T, p.His3482= (NM_001410195.1, NM_020914.5).
Identifiers: ClinVar variation 4084457 (VCV004084457.8).